The following is an entry in ClinVar:

ClinVar aggregate classification (germline): Uncertain significance. Review status: criteria provided, multiple submitters, no conflicts (2 of 4 stars). 2 submissions from 2 submitters: Uncertain significance (2). Last evaluated 2024-01-04.

Conditions:
Primary ciliary dyskinesia. Also called: Ciliary dyskinesia. Identifiers: Orphanet 244, MedGen C0008780, MONDO:0016575, HP:0012265.

Allele frequency attached by ClinVar (database versions not stated): gnomAD exomes 0.00010; gnomAD 0.00005 and 0.00006; TOPMed 0.00007.
gnomAD v4.1: 129 of 1,262,240 alleles (0.01%); highest among the groups gnomAD compares: Non-Finnish European, 0.012%; no homozygotes.

Submissions (2):

Ambry Genetics
Classification: Uncertain significance for Primary ciliary dyskinesia. Last evaluated: 2024-01-04. Review status: criteria provided, single submitter. Criteria: Ambry Variant Classification Scheme 2023. Collection method: clinical testing. Allele origin: germline.

Labcorp Genetics (formerly Invitae), Labcorp
Classification: Uncertain significance for Primary ciliary dyskinesia. Last evaluated: 2022-02-09. Review status: criteria provided, single submitter. Criteria: Invitae Variant Classification Sherloc (09022015). Collection method: clinical testing. Allele origin: germline.
Comment: This sequence change replaces glutamic acid, which is acidic and polar, with lysine, which is basic and polar, at codon 17 of the DNAAF5 protein (p.Glu17Lys). This variant is not present in population databases (gnomAD no frequency). This variant has not been reported in the literature in individuals affected with DNAAF5-related conditions. ClinVar contains an entry for this variant (Variation ID: 935654). Algorithms developed to predict the effect of missense changes on protein structure and function are either unavailable or do not agree on the potential impact of this missense change (SIFT: "Tolerated"; PolyPhen-2: "Not Available"; Align-GVGD: "Class C0"). In summary, the available evidence is currently insufficient to determine the role of this variant in disease. Therefore, it has been classified as a Variant of Uncertain Significance.

NM_017802.4(DNAAF5):c.49G>A (p.Glu17Lys)

Genes: DNAAF5 (dynein axonemal assembly factor 5; plus strand), PRKAR1B (protein kinase cAMP-dependent type I regulatory subunit beta; minus strand). Cytogenetic location: 7p22.3.
Variant type: single nucleotide variant.
Coding change: c.49G>A on transcript NM_017802.4 (MANE Select); coding-DNA position 49, G replaced by A.
Protein change: p.Glu17Lys; replaces glutamic acid 17 with lysine.
Molecular consequence: missense variant. On other transcripts: non-coding transcript variant (1), intron variant (3).
Genome position (GRCh38, 1-based): chr7:726,769, G>A. VCF-style: chr7-726769-G-A. GRCh37 (hg19) VCF-style: chr7-766406-G-A.
Other names: c.-23+886C>T (NM_001164759.1); c.-23+821C>T (NM_001164758.2); c.-23+441C>T (NM_001164760.2); short protein forms E17K.
Identifiers: ClinVar variation 935654 (VCV000935654.6), dbSNP rs987496902, ClinGen allele CA152333339.
Genomic context (GRCh38, chr7:726,769, plus strand): 5'-GACGCGGGCAAGATGGCGGCGCTGGGGGTGGCGGAGGCCGTGGCGGCCCCACACCCGGCT[G>A]AGGGGGCCGAGACGGCTGAGGCGGTGGAGCTGAGCCGCGCCCTGAGCCGCCTGCTGCCGG-3'
Protein context (NP_060272.3, residues 7-27): AEAVAAPHPA[Glu17Lys]GAETAEAVEL